The following is an entry in ClinVar:

NM_000350.3(ABCA4):c.1267C>A (p.His423Asn)

Gene: ABCA4 (ATP binding cassette subfamily A member 4; minus strand). Cytogenetic location: 1p22.1.
Variant type: single nucleotide variant.
Coding change: c.1267C>A on transcript NM_000350.3 (MANE Select); coding-DNA position 1267, C replaced by A.
Protein change: p.His423Asn; replaces histidine 423 with asparagine.
Molecular consequence: missense variant.
Genome position (GRCh38, 1-based): chr1:94,078,679, G>T on the plus strand (C>A on the coding strand, the complement: ABCA4 is on the minus strand). VCF-style: chr1-94078679-G-T. GRCh37 (hg19) VCF-style: chr1-94544235-G-T.
Other names: c.1267C>A, p.His423Asn (NM_001425324.1); short protein forms H423N.
Identifiers: ClinVar variation 1309985 (VCV001309985.6), dbSNP rs138044729, ClinGen allele CA26868081.

ClinVar aggregate classification (germline): Uncertain significance. Review status: criteria provided, multiple submitters, no conflicts (2 of 4 stars). 2 submissions from 2 submitters: Uncertain significance (2). Last evaluated 2022-02-28.

Allele frequency attached by ClinVar (database versions not stated): TOPMed 0.00002.
gnomAD v4.1: 2 of 1,612,020 alleles (0.00012%); highest among the groups gnomAD compares: African/African-American, 0.0027%; no homozygotes.

Submissions (2):

Labcorp Genetics (formerly Invitae), Labcorp
Classification: Uncertain significance. Last evaluated: 2022-02-28. Review status: criteria provided, single submitter. Criteria: Invitae Variant Classification Sherloc (09022015). Collection method: clinical testing. Allele origin: germline.
Comment: In summary, the available evidence is currently insufficient to determine the role of this variant in disease. Therefore, it has been classified as a Variant of Uncertain Significance. Advanced modeling of protein sequence and biophysical properties (such as structural, functional, and spatial information, amino acid conservation, physicochemical variation, residue mobility, and thermodynamic stability) performed at Invitae indicates that this missense variant is not expected to disrupt ABCA4 protein function. ClinVar contains an entry for this variant (Variation ID: 1309985). This variant has not been reported in the literature in individuals affected with ABCA4-related conditions. This variant is not present in population databases (gnomAD no frequency). This sequence change replaces histidine, which is basic and polar, with asparagine, which is neutral and polar, at codon 423 of the ABCA4 protein (p.His423Asn).

GeneDx
Classification: Uncertain significance. Last evaluated: 2019-11-19. Review status: criteria provided, single submitter. Criteria: GeneDx Variant Classification Process June 2021. Collection method: clinical testing. Allele origin: germline. Affected: yes.
Comment: Not observed in large population cohorts (Lek et al., 2016); In silico analysis, which includes protein predictors and evolutionary conservation, supports that this variant does not alter protein structure/function; Has not been previously published as pathogenic or benign to our knowledge